The following is an entry in ClinVar:

NM_000083.3(CLCN1):c.2683_2686del (p.Lys895fs)

Gene: CLCN1 (chloride voltage-gated channel 1; plus strand). Cytogenetic location: 7q34.
Variant type: Deletion.
Coding change: c.2683_2686del on transcript NM_000083.3 (MANE Select); coding-DNA positions 2683 to 2686, 4 bases deleted (AAGA; older notation c.2683_2686delAAGA).
Protein change: p.Lys895fs; shifts the reading frame from lysine 895.
Molecular consequence: frameshift variant. On other transcripts: non-coding transcript variant (1).
Genome position (GRCh38, 1-based): chr7:143,351,681-143,351,684, AAGA deleted; deleting any 4 consecutive bases within chr7:143,351,679-143,351,684 gives the same sequence; the c. name uses the placement nearest the transcript's 3' end. VCF-style (leftmost placement, unchanged base first): chr7-143351678-CGAAA-C. GRCh37 (hg19) VCF-style: chr7-143048771-CGAAA-C.
Other names: short protein forms K895fs.
Identifiers: ClinVar variation 2937141 (VCV002937141.3), dbSNP rs2485448381, ClinGen allele CA2685382740.

ClinVar aggregate classification (germline): Pathogenic (1 of 4 stars; one submission).

Conditions:
Congenital myotonia, autosomal dominant form (THD). Also called: THOMSEN DISEASE; Myotonia congenita autosomal dominant. Identifiers: Orphanet 614, MedGen C2936781, MONDO:0008055, OMIM 160800.
Congenital myotonia, autosomal recessive form. Also called: BECKER DISEASE; Becker Generalized Myotonia; myotonia congenita, autosomal recessive. Identifiers: Orphanet 614, MedGen C0751360, MONDO:0009715, OMIM 255700.

Submission:

Labcorp Genetics (formerly Invitae), Labcorp
Classification: Pathogenic for Congenital myotonia, autosomal recessive form; Congenital myotonia, autosomal dominant form. Last evaluated: 2023-11-27. Review status: criteria provided, single submitter. Criteria: Invitae Variant Classification Sherloc (09022015). Collection method: clinical testing. Allele origin: germline.
Comment: This sequence change creates a premature translational stop signal (p.Lys895Valfs*27) in the CLCN1 gene. While this is not anticipated to result in nonsense mediated decay, it is expected to disrupt the last 94 amino acid(s) of the CLCN1 protein. This variant is not present in population databases (gnomAD no frequency). This variant has not been reported in the literature in individuals affected with CLCN1-related conditions. This variant disrupts a region of the CLCN1 protein in which other variant(s) (p.Gly945Argfs*39) have been determined to be pathogenic (PMID: 18337100; Invitae). This suggests that this is a clinically significant region of the protein, and that variants that disrupt it are likely to be disease-causing. For these reasons, this variant has been classified as Pathogenic.

Literature cited by the submitters: PubMed 18337100.